The following is an entry in ClinVar:

NM_000203.5(IDUA):c.1743C>G (p.Tyr581Ter)

Gene: IDUA (alpha-L-iduronidase; plus strand). Cytogenetic location: 4p16.3.
Variant type: single nucleotide variant.
Coding change: c.1743C>G on transcript NM_000203.5 (MANE Select); coding-DNA position 1743, C replaced by G.
Protein change: p.Tyr581Ter; replaces tyrosine 581 with a stop codon.
Molecular consequence: nonsense. On other transcripts: non-coding transcript variant (1).
Genome position (GRCh38, 1-based): chr4:1,004,027, C>G. VCF-style: chr4-1004027-C-G. GRCh37 (hg19) VCF-style: chr4-997815-C-G.
Other names: NM_000203.5(IDUA):c.1743C>G; p.Tyr581Ter; c.1347C>G, p.Tyr449Ter (NM_001363576.1); short protein forms Y581*, Y449*.
Identifiers: ClinVar variation 550883 (VCV000550883.20), dbSNP rs776787370, ClinGen allele CA2802392.

ClinVar aggregate classification (germline): Pathogenic. Review status: reviewed by expert panel (3 of 4 stars). 7 submissions from 7 submitters: Pathogenic (1). 6 of the submissions do not count toward it. Last evaluated 2024-12-05.

Conditions:
Mucopolysaccharidosis type 1. Also called: Mucopolysaccharidosis Type I; IDUA deficiency; MPS I. Identifiers: Orphanet 579, MedGen C0023786, MONDO:0001586.
Hurler syndrome. Also called: Gargoylism, Hurler Syndrome; MUCOPOLYSACCHARIDOSIS TYPE IH; Severe MPS I (Hurler Syndrome). Identifiers: Orphanet 93473, MedGen C0086795, MONDO:0011758, OMIM 607014.

Allele frequency attached by ClinVar (database versions not stated): ExAC 0.00002; gnomAD exomes 0.00002.
gnomAD v4.1: 14 of 1,611,730 alleles (0.00087%); highest among the groups gnomAD compares: East Asian, 0.0089%; no homozygotes.

Submissions (7):

ClinGen Lysosomal Storage Disorder Variant Curation Expert Panel
Classification: Pathogenic for Mucopolysaccharidosis type 1. Last evaluated: 2024-12-05. Review status: reviewed by expert panel. Criteria: ClinGen LSD ACMG Specifications IDUA V1.0.0. Collection method: curation. Allele origin: germline. Inheritance: Autosomal recessive inheritance.
Comment: The NM_000203.5:c.1743C>G (p.Tyr581Ter) variant in IDUA is a nonsense variant predicted to cause a premature stop codon in biologically-relevant-exon 13 out of 14. While the premature stop codon is predicted to occur in the penultimate exon of the gene, it is 5' to the last 50 nucleotides of the exon and, therefore, this variant is expected to lead to nonsense mediated decay in a gene in which loss-of-function is an established disease mechanism (PVS1). At least 5 patients with this variant and a diagnosis of MPS I, confirmed by reduced IDUA activity, have been reported. This included patients with documented laboratory values indicating undetectable IDUA activity along with clinical features such as intellectual disability, dysmorphic facial features, multiple dysostosis, joint stiffness, hepatosplenomegaly, umbilical hernia, chronic rhinorrhea, and hydrocephalus (PMID: 22074387, 27196898) (PP4). One patient is compound heterozygous for the variant and another variant in IDUA that has been classified as pathogenic by the ClinGen Lysosomal Diseases VCEP, c.1205G>A (p.Trp402Ter) (ClinVar Variation ID: 11908, PMID: 3351789); the phase is unknown (0.5 points). Two Tunisian patients are homozygous for the variant (PMID: 22074387) (2 x 0.5 points). A further two patients are compound heterozygous for the variant and p.Pro533Arg (PMID: 12796790, 27196898); the allelic data from these patients will be used in the classification of p.Pro533Arg and are not included here to avoid circular logic. Total 1.5 points (PM3). The highest population minor allele frequency in gnomAD v4.1.0. is 0.00008921 (4/44840 alleles) in the East Asian population, which is lower than the ClinGen Lysosomal Diseases VCEP’s threshold for PM2_Supporting (<0.0025), meeting this criterion (PM2_Supporting). In summary, this variant meets the criteria to be classified as pathogenic for mucopolysaccharidosis type 1. IDUA-specific ACMG/AMP criteria applied, as specified by the ClinGen Lysosomal Diseases VCEP (Specifications Version 1.0.0.): PVS1, PM3, PP4, PM2_Supporting. (Classification approved by the ClinGen Lysosomal Diseases Variant Curation Expert Panel on December 5, 2024)

Labcorp Genetics (formerly Invitae), Labcorp
Classification: Pathogenic for Mucopolysaccharidosis type 1. Last evaluated: 2025-04-28. Review status: criteria provided, single submitter. Criteria: Invitae Variant Classification Sherloc (09022015). Collection method: clinical testing. Allele origin: germline. Not counted in ClinVar's aggregate classification.
Comment: This sequence change creates a premature translational stop signal (p.Tyr581*) in the IDUA gene. It is expected to result in an absent or disrupted protein product. Loss-of-function variants in IDUA are known to be pathogenic (PMID: 11735025, 21480867). This variant is present in population databases (rs776787370, gnomAD 0.02%). This premature translational stop signal has been observed in individual(s) with mucopolysaccharidosis type I (PMID: 21394825, 27196898). ClinVar contains an entry for this variant (Variation ID: 550883). For these reasons, this variant has been classified as Pathogenic.

Natera, Inc.
Classification: Pathogenic for Mucopolysaccharidosis type I. Last evaluated: 2024-08-15. Review status: criteria provided, single submitter. Criteria: Natera Variant Classification Schema (03/2026). Collection method: clinical testing. Allele origin: germline. Not counted in ClinVar's aggregate classification.
Comment: The c.1743C>G variant in IDUA is a nonsense variant predicted to introduce a stop codon at amino acid 581. This variant is expected to result in nonsense mediated decay, truncation, or a dysfunctional protein product. This variant is rare in the general population with a frequency below the threshold expected for the associated phenotype(s). This variant has been observed in one or more individuals affected with the associated recessive disease, as either homozygous or compound heterozygous with a second variant (PMID: 27196898, 21639919). Given the available evidence, this variant is classified as Pathogenic.

Women's Health and Genetics/Laboratory Corporation of America, LabCorp
Classification: Pathogenic for Mucopolysaccharidosis type 1. Last evaluated: 2021-11-11. Review status: criteria provided, single submitter. Criteria: LabCorp Variant Classification Summary - May 2015. Collection method: clinical testing. Allele origin: germline. Not counted in ClinVar's aggregate classification.
Comment: Variant summary: IDUA c.1743C>G (p.Tyr581X) results in a premature termination codon, predicted to cause a truncation of the encoded protein or absence of the protein due to nonsense mediated decay, which are commonly known mechanisms for disease. Truncations downstream of this position have been classified as pathogenic by our laboratory. The variant allele was found at a frequency of 1.6e-05 in 251162 control chromosomes (gnomAD). c.1743C>G has been reported in the literature in individuals affected with Mucopolysaccharidosis Type 1 (e.g. Souillet_2003, Chkioua_2011, Tebani_2016, Guffon_2021). These data indicate that the variant is likely to be associated with disease. Three ClinVar submitters (evaluation after 2014) cite the variant as pathogenic/likely pathogenic. Based on the evidence outlined above, the variant was classified as pathogenic.

Revvity Omics, Revvity
Classification: Pathogenic. Last evaluated: 2021-06-07. Review status: criteria provided, single submitter. Criteria: ACMG Guidelines, 2015. Collection method: clinical testing. Allele origin: germline. Not counted in ClinVar's aggregate classification.

GeneDx
Classification: Likely pathogenic. Last evaluated: 2021-04-07. Review status: criteria provided, single submitter. Criteria: GeneDx Variant Classification Process June 2021. Collection method: clinical testing. Allele origin: germline. Affected: yes. Not counted in ClinVar's aggregate classification.
Comment: Nonsense variant in the C-terminus predicted to result in protein truncation, as the last 73 amino acids are lost, and other loss-of-function variants have been reported downstream in the Human Gene Mutation Database (Stenson et al., 2014); This variant is associated with the following publications: (PMID: 21394825, 27196898, 9672523, 21521498, 21639919, 32432561, 33072983, 33147872, 30442156, 25525159)

Counsyl
Classification: Pathogenic for Hurler syndrome. Last evaluated: 2017-02-27. Review status: no assertion criteria provided. Collection method: clinical testing. Allele origin: unknown. Not counted in ClinVar's aggregate classification.

Literature cited by the submitters: PubMed 11735025 (cited by Labcorp Genetics (formerly Invitae), Labcorp); PubMed 21480867 (cited by Labcorp Genetics (formerly Invitae), Labcorp); PubMed 21394825 (cited by 3 submitters); PubMed 27196898 (cited by 4 submitters); PubMed 21639919 (cited by Natera, Inc.); PubMed 30442156 (cited by Women's Health and Genetics/Laboratory Corporation of America, LabCorp); PubMed 29143201 (cited by Women's Health and Genetics/Laboratory Corporation of America, LabCorp); PubMed 33517895 (cited by Women's Health and Genetics/Laboratory Corporation of America, LabCorp); PubMed 12796790 (cited by Women's Health and Genetics/Laboratory Corporation of America, LabCorp); PubMed 22074387 (cited by Counsyl).